The following is an entry in ClinVar:

ClinVar aggregate classification (germline): Uncertain significance. Review status: criteria provided, multiple submitters, no conflicts (2 of 4 stars). 3 submissions from 3 submitters: Uncertain significance (3). Last evaluated 2024-10-22.

Conditions:
Autosomal recessive osteopetrosis 7. Identifiers: Orphanet 178389, MedGen C2676766, MONDO:0012859, OMIM 612301.

Allele frequency attached by ClinVar (database versions not stated): gnomAD exomes below 0.00001; ExAC 0.00001; gnomAD 0.00001.
gnomAD v4.1: 7 of 1,614,226 alleles (0.00043%); highest among the groups gnomAD compares: Middle Eastern, 0.049%; no homozygotes.

Submissions (3):

Labcorp Genetics (formerly Invitae), Labcorp
Classification: Uncertain significance. Last evaluated: 2024-10-22. Review status: criteria provided, single submitter. Criteria: Invitae Variant Classification Sherloc (09022015). Collection method: clinical testing. Allele origin: germline.
Comment: This sequence change replaces threonine, which is neutral and polar, with isoleucine, which is neutral and non-polar, at codon 289 of the TNFRSF11A protein (p.Thr289Ile). This variant is present in population databases (rs749136654, gnomAD 0.003%). This variant has not been reported in the literature in individuals affected with TNFRSF11A-related conditions. ClinVar contains an entry for this variant (Variation ID: 1030714). An algorithm developed to predict the effect of missense changes on protein structure and function (PolyPhen-2) suggests that this variant is likely to be disruptive. In summary, the available evidence is currently insufficient to determine the role of this variant in disease. Therefore, it has been classified as a Variant of Uncertain Significance.

Revvity Omics, Revvity
Classification: Uncertain significance. Last evaluated: 2022-06-02. Review status: criteria provided, single submitter. Criteria: ACMG Guidelines, 2015. Collection method: clinical testing. Allele origin: germline.

Baylor Genetics
Classification: Uncertain significance for Autosomal recessive osteopetrosis 7. Last evaluated: 2020-07-09. Review status: criteria provided, single submitter. Criteria: ACMG Guidelines, 2015. Collection method: clinical testing. Allele origin: unknown. Affected: yes.
Comment: This variant was determined to be of uncertain significance according to ACMG Guidelines, 2015 [PMID:25741868].

NM_003839.4(TNFRSF11A):c.866C>T (p.Thr289Ile)

Gene: TNFRSF11A (TNF receptor superfamily member 11a; plus strand). Cytogenetic location: 18q21.33.
Variant type: single nucleotide variant.
Coding change: c.866C>T on transcript NM_003839.4 (MANE Select); coding-DNA position 866, C replaced by T.
Protein change: p.Thr289Ile; replaces threonine 289 with isoleucine.
Molecular consequence: missense variant. On other transcripts: intron variant (3).
Genome position (GRCh38, 1-based): chr18:62,368,783, C>T. VCF-style: chr18-62368783-C-T. GRCh37 (hg19) VCF-style: chr18-60036016-C-T.
Other names: c.824C>T, p.Thr275Ile (NM_001278268.2); c.783+2023C>T (NM_001270949.2); c.730+6990C>T (NM_001270950.2); c.616+8734C>T (NM_001270951.2); short protein forms T275I, T289I.
Identifiers: ClinVar variation 1030714 (VCV001030714.8), dbSNP rs749136654, ClinGen allele CA8983880.